The following is an entry in ClinVar:

ClinVar aggregate classification (germline): Uncertain significance (1 of 4 stars; one submission).

Submission:

GeneDx
Classification: Uncertain significance. Last evaluated: 2025-02-25. Review status: criteria provided, single submitter. Criteria: GeneDx Variant Classification Process June 2021. Collection method: clinical testing. Allele origin: germline. Affected: yes.
Comment: Not observed at significant frequency in large population cohorts (gnomAD); In silico analysis supports that this missense variant has a deleterious effect on protein structure/function; Has not been previously published as pathogenic or benign to our knowledge

NM_000836.4(GRIN2D):c.728T>C (p.Ile243Thr)

Gene: GRIN2D (glutamate ionotropic receptor NMDA type subunit 2D; plus strand). Cytogenetic location: 19q13.33.
Variant type: single nucleotide variant.
Coding change: c.728T>C on transcript NM_000836.4 (MANE Select); coding-DNA position 728, T replaced by C.
Protein change: p.Ile243Thr; replaces isoleucine 243 with threonine.
Molecular consequence: missense variant.
Genome position (GRCh38, 1-based): chr19:48,404,996, T>C. VCF-style: chr19-48404996-T-C. GRCh37 (hg19) VCF-style: chr19-48908253-T-C.
Other names: short protein forms I243T.
Identifiers: ClinVar variation 4076563 (VCV004076563.1).